The following is an entry in ClinVar:

ClinVar aggregate classification (germline): Uncertain significance. Review status: criteria provided, multiple submitters, no conflicts (2 of 4 stars). 2 submissions from 2 submitters: Uncertain significance (2). Last evaluated 2025-09-11.

Conditions:
Lethal multiple pterygium syndrome (LMPS). Identifiers: Orphanet 33108, MedGen C1854678, MONDO:0009668, OMIM 253290.

Submissions (2):

Labcorp Genetics (formerly Invitae), Labcorp
Classification: Uncertain significance for Lethal multiple pterygium syndrome. Last evaluated: 2025-09-11. Review status: criteria provided, single submitter. Criteria: Invitae Variant Classification Sherloc (09022015). Collection method: clinical testing. Allele origin: germline.
Comment: This sequence change replaces isoleucine, which is neutral and non-polar, with methionine, which is neutral and non-polar, at codon 64 of the CHRND protein (p.Ile64Met). This variant is present in population databases (no rsID available, gnomAD 0.002%). This variant has not been reported in the literature in individuals affected with CHRND-related conditions. ClinVar contains an entry for this variant (Variation ID: 3667378). Invitae Evidence Modeling of protein sequence and biophysical properties (such as structural, functional, and spatial information, amino acid conservation, physicochemical variation, residue mobility, and thermodynamic stability) has been performed for this missense variant. However, the output from this modeling did not meet the statistical confidence thresholds required to predict the impact of this variant on CHRND protein function. In summary, the available evidence is currently insufficient to determine the role of this variant in disease. Therefore, it has been classified as a Variant of Uncertain Significance.

GeneDx
Classification: Uncertain significance. Last evaluated: 2024-10-16. Review status: criteria provided, single submitter. Criteria: GeneDx Variant Classification Process June 2021. Collection method: clinical testing. Allele origin: germline. Affected: yes.
Comment: Has not been previously published as pathogenic or benign to our knowledge; In silico analysis supports that this missense variant has a deleterious effect on protein structure/function

NM_000751.3(CHRND):c.192C>G (p.Ile64Met)

Gene: CHRND (cholinergic receptor nicotinic delta subunit; plus strand). Cytogenetic location: 2q37.1.
Variant type: single nucleotide variant.
Coding change: c.192C>G on transcript NM_000751.3 (MANE Select); coding-DNA position 192, C replaced by G.
Protein change: p.Ile64Met; replaces isoleucine 64 with methionine.
Molecular consequence: missense variant. On other transcripts: 5 prime UTR variant (2).
Genome position (GRCh38, 1-based): chr2:232,526,668, C>G. VCF-style: chr2-232526668-C-G. GRCh37 (hg19) VCF-style: chr2-233391378-C-G.
Other names: c.192C>G, p.Ile64Met (NM_001256657.2); c.-80C>G (NM_001311195.2, NM_001311196.2); c.192C>G (NM_000751.2); short protein forms I64M.
Identifiers: ClinVar variation 3667378 (VCV003667378.3).
Genomic context (GRCh38, chr2:232,526,668, plus strand): 5'-CGTGGCACACAAAGAGGAGAGTGTGGACGTTGCCCTGGCCCTCACACTCTCCAACCTCAT[C>G]TCCCTGGTGAGAGGCCCTCCGGTGCTGGGTTGGGAGGGAGGGCAGGGATGGCTTTCCAGT-3'
Protein context (NP_000742.1, residues 54-74): VALALTLSNL[Ile64Met]SLKEVEETLT